The following is an entry in ClinVar:

ClinVar aggregate classification (germline): Benign. Review status: criteria provided, multiple submitters, no conflicts (2 of 4 stars). 4 submissions from 4 submitters: Benign (4). Last evaluated 2026-01-31.

Conditions:
Congenital muscular dystrophy due to integrin alpha-7 deficiency. Also called: MYOPATHY, CONGENITAL, DUE TO INTEGRIN ALPHA-7 DEFICIENCY; Congenital muscular dystrophy with integrin alpha-7 deficiency; Muscular dystrophy, congenital, due to ITGA7 deficiency. Identifiers: Orphanet 34520, MedGen C2750786, MONDO:0013177, OMIM 613204.

Allele frequency attached by ClinVar (database versions not stated): 1000 Genomes Project 0.01697; gnomAD 0.01666; TOPMed 0.01780; 1000 Genomes Project 30x 0.01765; ESP Exome Variant Server 0.01785.

Submissions (4):

Labcorp Genetics (formerly Invitae), Labcorp
Classification: Benign for Congenital muscular dystrophy due to integrin alpha-7 deficiency. Last evaluated: 2026-01-31. Review status: criteria provided, single submitter. Criteria: Invitae Variant Classification Sherloc (09022015). Collection method: clinical testing. Allele origin: germline.

GeneDx
Classification: Benign. Last evaluated: 2016-05-24. Review status: criteria provided, single submitter. Criteria: GeneDx Variant Classification (06012015). Collection method: clinical testing. Allele origin: germline. Affected: yes.
Comment: This variant is considered likely benign or benign based on one or more of the following criteria: it is a conservative change, it occurs at a poorly conserved position in the protein, it is predicted to be benign by multiple in silico algorithms, and/or has population frequency not consistent with disease.

Breakthrough Genomics
Classification: Benign. Review status: criteria provided, single submitter. Criteria: ACMG Guidelines, 2015. Collection method: not provided. Allele origin: germline. Inheritance: Autosomal recessive inheritance. Affected: yes.

PreventionGenetics, part of Exact Sciences
Classification: Benign. Review status: criteria provided, single submitter. Criteria: ACMG Guidelines, 2015. Collection method: clinical testing. Allele origin: germline.

NM_002206.3(ITGA7):c.1567+12C>T

Gene: ITGA7 (integrin subunit alpha 7; minus strand). Cytogenetic location: 12q13.2.
Variant type: single nucleotide variant.
Coding change: c.1567+12C>T on transcript NM_002206.3 (MANE Select); 12 bases into the intron after coding-DNA position 1567, C replaced by T.
Molecular consequence: intron variant.
Genome position (GRCh38, 1-based): chr12:55,697,204, G>A on the plus strand (C>T on the coding strand, the complement: ITGA7 is on the minus strand). VCF-style: chr12-55697204-G-A. GRCh37 (hg19) VCF-style: chr12-56090988-G-A.
Other names: c.1288+12C>T (NM_001144997.2); c.1240+12C>T (NM_001367993.1); c.1228+12C>T (NM_001414035.1); c.1384+12C>T (NM_001414033.1); c.223+12C>T (NM_001367994.1); c.1447+12C>T (NM_001414032.1); c.1480+12C>T (NM_001414031.1); c.1567+12C>T (NM_001374465.1, NM_001414034.1); and 3 more.
Identifiers: ClinVar variation 258582 (VCV000258582.11), dbSNP rs79849707, ClinGen allele CA6615913.